The following is an entry in ClinVar:

ClinVar aggregate classification (germline): Conflicting classifications of pathogenicity. Review status: criteria provided, conflicting classifications (1 of 4 stars). 10 submissions from 10 submitters: Uncertain significance (8); Likely benign (1). 1 of the submissions does not count toward it. Last evaluated 2025-07-07.

Conditions:
Inborn genetic diseases. Identifiers: MedGen C0950123, MeSH D030342.
ASPM-related disorder. Also called: ASPM-related condition.
Microcephaly 5, primary, autosomal recessive (MCPH5). Also called: ASPM Primary Microcephaly. Identifiers: Orphanet 2512, MedGen C1837501, MONDO:0012106, OMIM 608716.

Allele frequency attached by ClinVar (database versions not stated): ESP Exome Variant Server 0.00023; TOPMed 0.00030; 1000 Genomes Project 30x 0.00031; gnomAD 0.00031 and 0.00032; gnomAD exomes 0.00031 and 0.00036; ExAC 0.00034; 1000 Genomes Project 0.00040.
gnomAD v4.1: 567 of 1,613,968 alleles (0.035%); highest among the groups gnomAD compares: Middle Eastern, 0.066%; no homozygotes.

Submissions (10):

Ambry Genetics
Classification: Likely benign for Inborn genetic diseases. Last evaluated: 2025-07-07. Review status: criteria provided, single submitter. Criteria: Ambry Variant Classification Scheme 2023. Collection method: clinical testing. Allele origin: germline.

Labcorp Genetics (formerly Invitae), Labcorp
Classification: Uncertain significance. Last evaluated: 2025-01-11. Review status: criteria provided, single submitter. Criteria: Invitae Variant Classification Sherloc (09022015). Collection method: clinical testing. Allele origin: germline.
Comment: This sequence change replaces aspartic acid, which is acidic and polar, with asparagine, which is neutral and polar, at codon 990 of the ASPM protein (p.Asp990Asn). This variant is present in population databases (rs142537154, gnomAD 0.06%). This missense change has been observed in individual(s) with primary microcephaly (PMID: 23611254). ClinVar contains an entry for this variant (Variation ID: 157800). Invitae Evidence Modeling of protein sequence and biophysical properties (such as structural, functional, and spatial information, amino acid conservation, physicochemical variation, residue mobility, and thermodynamic stability) indicates that this missense variant is not expected to disrupt ASPM protein function with a negative predictive value of 80%. In summary, the available evidence is currently insufficient to determine the role of this variant in disease. Therefore, it has been classified as a Variant of Uncertain Significance.

Athena Diagnostics
Classification: Uncertain significance. Last evaluated: 2024-09-30. Review status: criteria provided, single submitter. Criteria: Athena Diagnostics Criteria. Collection method: clinical testing. Allele origin: unknown.

Genome-Nilou Lab
Classification: Uncertain significance for Microcephaly 5, primary, autosomal recessive. Last evaluated: 2023-04-11. Review status: criteria provided, single submitter. Criteria: ACMG Guidelines, 2015. Collection method: clinical testing. Allele origin: germline. Affected: no.

GeneDx
Classification: Uncertain significance. Last evaluated: 2022-02-16. Review status: criteria provided, single submitter. Criteria: GeneDx Variant Classification Process June 2021. Collection method: clinical testing. Allele origin: germline. Affected: yes.
Comment: In silico analysis supports that this missense variant does not alter protein structure/function; Has not been previously published as pathogenic or benign to our knowledge

Illumina Laboratory Services, Illumina
Classification: Uncertain significance for Microcephaly 5, primary, autosomal recessive. Last evaluated: 2018-01-13. Review status: criteria provided, single submitter. Criteria: ICSL Variant Classification Criteria 13 December 2019. Collection method: clinical testing. Allele origin: germline.

Fulgent Genetics
Classification: Uncertain significance for Microcephaly 5, primary, autosomal recessive. Last evaluated: 2017-05-23. Review status: criteria provided, single submitter. Criteria: ACMG Guidelines, 2015. Collection method: clinical testing. Allele origin: unknown.

Eurofins Ntd Llc (ga)
Classification: Uncertain significance. Last evaluated: 2014-07-15. Review status: criteria provided, single submitter. Criteria: EGL Classification Definitions 2015. Collection method: clinical testing. Allele origin: germline. Observed: 1 variant allele, 1 heterozygote.

Genetic Services Laboratory, University of Chicago
Classification: Uncertain significance for Microcephaly 5, primary, autosomal recessive. Last evaluated: 2013-12-13. Review status: criteria provided, single submitter. Criteria: ACMG Guidelines, 2007. Collection method: clinical testing. Allele origin: germline. Inheritance: Autosomal recessive inheritance.

PreventionGenetics, part of Exact Sciences
Classification: Likely benign for ASPM-related condition. Last evaluated: 2023-11-21. Review status: no assertion criteria provided. Collection method: clinical testing. Allele origin: germline. Not counted in ClinVar's aggregate classification.
Comment: This variant is classified as likely benign based on ACMG/AMP sequence variant interpretation guidelines (Richards et al. 2015 PMID: 25741868, with internal and published modifications).

Literature cited by the submitters: PubMed 23611254 (cited by Labcorp Genetics (formerly Invitae), Labcorp and Athena Diagnostics); PubMed 28892078 (cited by Athena Diagnostics); PubMed 25960936 (cited by Athena Diagnostics).

NM_018136.5(ASPM):c.2968G>A (p.Asp990Asn)

Gene: ASPM (assembly factor for spindle microtubules; minus strand). Cytogenetic location: 1q31.3.
Variant type: single nucleotide variant.
Coding change: c.2968G>A on transcript NM_018136.5 (MANE Select); coding-DNA position 2968, G replaced by A.
Protein change: p.Asp990Asn; replaces aspartic acid 990 with asparagine.
Molecular consequence: missense variant.
Genome position (GRCh38, 1-based): chr1:197,125,160, C>T on the plus strand (G>A on the coding strand, the complement: ASPM is on the minus strand). VCF-style: chr1-197125160-C-T. GRCh37 (hg19) VCF-style: chr1-197094290-C-T.
Other names: c.2968G>A, p.Asp990Asn (NM_001206846.2); short protein forms D990N.
Identifiers: ClinVar variation 157800 (VCV000157800.25), dbSNP rs142537154, ClinGen allele CA239642.